The following is an entry in ClinVar:

NM_000090.4(COL3A1):c.3499G>T (p.Gly1167Cys)

Gene: COL3A1 (collagen type III alpha 1 chain; plus strand). Cytogenetic location: 2q32.2.
Variant type: single nucleotide variant.
Coding change: c.3499G>T on transcript NM_000090.4 (MANE Select); coding-DNA position 3499, G replaced by T.
Protein change: p.Gly1167Cys; replaces glycine 1167 with cysteine.
Molecular consequence: missense variant.
Genome position (GRCh38, 1-based): chr2:189,008,116, G>T. VCF-style: chr2-189008116-G-T. GRCh37 (hg19) VCF-style: chr2-189872842-G-T.
Identifiers: ClinVar variation 101461 (VCV000101461.4), dbSNP rs587779609, ClinGen allele CA006513.
Genomic context (GRCh38, chr2:189,008,116, plus strand): 5'-CCTCCTGGCAAAGATGGAACCAGTGGACATCCAGGTCCCATTGGACCACCAGGGCCTCGA[G>T]GTAACAGAGGTGAAAGAGGATCTGAGGTAAGACATCACTTATACGTATGTGTATTTAATT-3'
Protein context (NP_000081.2, residues 1157-1177): PGPIGPPGPR[Gly1167Cys]NRGERGSEGS

ClinVar aggregate classification (germline): Likely pathogenic. Review status: criteria provided, single submitter (1 of 4 stars). 2 submissions from 2 submitters: Likely pathogenic (1). 1 of the submissions does not count toward it. Last evaluated 2023-01-04.

Conditions:
Familial thoracic aortic aneurysm and aortic dissection (TAAD). Also called: Thoracic aortic aneurysms and dissections. Identifiers: Orphanet 91387, MedGen C4707243, MONDO:0019625.
Ehlers-Danlos syndrome, type 4 (EDSVASC). Also called: Ehlers-Danlos syndrome vascular type; Ehlers Danlos syndrome, ecchymotic type; Ehlers Danlos syndrome, arterial type; Ehlers Danlos syndrome, Sack-Barabas type; Ehlers-Danlos Syndrome Type IV. Identifiers: Orphanet 286, MedGen C0268338, MONDO:0017314, OMIM 130050.

Submissions (2):

Ambry Genetics
Classification: Likely pathogenic for Familial thoracic aortic aneurysm and aortic dissection. Last evaluated: 2023-01-04. Review status: criteria provided, single submitter. Criteria: Ambry Variant Classification Scheme 2023. Collection method: clinical testing. Allele origin: germline.
Comment: The p.G1167C variant (also known as c.3499G>T), located in coding exon 47 of the COL3A1 gene, results from a G to T substitution at nucleotide position 3499. The glycine at codon 1167 is replaced by cysteine, an amino acid with highly dissimilar properties. The majority (approximately two-thirds) of COL3A1 mutations identified to date have involved the substitution of another amino acid for glycine within the triple-helical domain (Pepin MG et al. Genet Med. 2014;16(12):881-8; Frank M et al. Eur J Hum Genet. 2015;23(12):1657-64). This variant has been detected in vascular Ehlers-Danlos syndrome cohorts (Morissette R et al. Circ Cardiovasc Genet. 2014 Feb;7(1):80-8; Pepin MG et al. Genet Med. 2014 Dec;16(12):881-8). Internal structural analysis indicates that this alteration disrupts the characteristic G-X-Y motif in the COL3A1 protein and inserts a bulky side chain into a sterically-constrained region (Bella J et al. Science. 1994;266:75-81; Hohenester E et al. Proc. Natl. Acad. Sci. U.S.A. 2008;105:18273-7; Ambry internal data). This variant is considered to be rare based on population cohorts in the Genome Aggregation Database (gnomAD). This amino acid position is highly conserved in available vertebrate species. In addition, this alteration is predicted to be deleterious by in silico analysis. Based on the majority of available evidence to date, this variant is likely to be pathogenic.

Collagen Diagnostic Laboratory, University of Washington
Classification: Pathogenic for Ehlers-Danlos syndrome, type 4. Review status: no assertion criteria provided. Collection method: clinical testing. Allele origin: germline. Affected: yes. Not counted in ClinVar's aggregate classification.

Literature cited by the submitters: PubMed 24399159 (cited by Ambry Genetics); PubMed 24922459 (cited by Ambry Genetics).